The following is an entry in ClinVar:

ClinVar aggregate classification (germline): Uncertain significance. Review status: criteria provided, multiple submitters, no conflicts (2 of 4 stars). 2 submissions from 2 submitters: Uncertain significance (2). Last evaluated 2024-10-30.

Submissions (2):

Labcorp Genetics (formerly Invitae), Labcorp
Classification: Uncertain significance. Last evaluated: 2024-10-30. Review status: criteria provided, single submitter. Criteria: Invitae Variant Classification Sherloc (09022015). Collection method: clinical testing. Allele origin: germline.
Comment: This sequence change replaces arginine, which is basic and polar, with tryptophan, which is neutral and slightly polar, at codon 392 of the CACNA1F protein (p.Arg392Trp). This variant is present in population databases (rs139250897, gnomAD 0.006%). This variant has not been reported in the literature in individuals affected with CACNA1F-related conditions. Invitae Evidence Modeling of protein sequence and biophysical properties (such as structural, functional, and spatial information, amino acid conservation, physicochemical variation, residue mobility, and thermodynamic stability) indicates that this missense variant is expected to disrupt CACNA1F protein function with a positive predictive value of 80%. In summary, the available evidence is currently insufficient to determine the role of this variant in disease. Therefore, it has been classified as a Variant of Uncertain Significance.

Blueprint Genetics
Classification: Uncertain significance. Last evaluated: 2018-10-26. Review status: criteria provided, single submitter. Criteria: ACMG Guidelines, 2015. Collection method: clinical testing. Allele origin: germline.

NM_001256789.3(CACNA1F):c.1174C>T (p.Arg392Trp)

Gene: CACNA1F (calcium voltage-gated channel subunit alpha1 F; minus strand). Cytogenetic location: Xp11.23.
Variant type: single nucleotide variant.
Coding change: c.1174C>T on transcript NM_001256789.3 (MANE Select); coding-DNA position 1174, C replaced by T.
Protein change: p.Arg392Trp; replaces arginine 392 with tryptophan.
Molecular consequence: missense variant.
Genome position (GRCh38, 1-based): chrX:49,227,072, G>A on the plus strand (C>T on the coding strand, the complement: CACNA1F is on the minus strand). VCF-style: chrX-49227072-G-A. GRCh37 (hg19) VCF-style: chrX-49083534-G-A.
Other names: c.979C>T, p.Arg327Trp (NM_001256790.3); c.1174C>T, p.Arg392Trp (NM_005183.4); short protein forms R392W, R327W.
Identifiers: ClinVar variation 3654273 (VCV003654273.2).
Genomic context (GRCh38, chrX:49,227,072, plus strand): 5'-CGGCTTGAGTGATCCAGTCCAGGTAGCCCCGCAGGTCTTCCTCCATCTGCTGCTTCTCCC[G>A]CTGCTTCTGGAAGTCCCCGCGAGCTTTCGCTTTCTCTCTCTCCTTGGAGAACTCCCTGAG-3'
Protein context (NP_001243718.1, residues 382-402): AKARGDFQKQ[Arg392Trp]EKQQMEEDLR